The following is an entry in ClinVar:

NM_003238.6(TGFB2):c.1237T>C (p.Cys413Arg)

Gene: TGFB2 (transforming growth factor beta 2; plus strand). Cytogenetic location: 1q41.
Variant type: single nucleotide variant.
Coding change: c.1237T>C on transcript NM_003238.6 (MANE Select); coding-DNA position 1237, T replaced by C.
Protein change: p.Cys413Arg; replaces cysteine 413 with arginine.
Molecular consequence: missense variant. On other transcripts: non-coding transcript variant (2).
Genome position (GRCh38, 1-based): chr1:218,441,354, T>C. VCF-style: chr1-218441354-T-C. GRCh37 (hg19) VCF-style: chr1-218614696-T-C.
Other names: c.1321T>C, p.Cys441Arg (NM_001135599.4); short protein forms C441R, C413R.
Identifiers: ClinVar variation 2847620 (VCV002847620.3), dbSNP rs869025532, ClinGen allele CA344728091.
Genomic context (GRCh38, chr1:218,441,354, plus strand): 5'-TACATTGGCAAAACACCCAAGATTGAACAGCTTTCTAATATGATTGTAAAGTCTTGCAAA[T>C]GCAGCTAAAATTCTTGGAAAAGTGGCAAGACCAAAATGACAATGATGATGATAATGATGA-3'
Protein context (NP_003229.1, residues 403-414): LSNMIVKSCK[Cys413Arg]S

ClinVar aggregate classification (germline): Uncertain significance (1 of 4 stars; one submission).

Conditions:
Loeys-Dietz syndrome 4 (LDS4). Also called: ANEURYSM, AORTIC AND CEREBRAL, WITH ARTERIAL TORTUOSITY AND SKELETAL MANIFESTATIONS; TGFB2-Related Loeys-Dietz Syndrome. Identifiers: MedGen C3553762, MONDO:0013897, OMIM 614816.

Submission:

Labcorp Genetics (formerly Invitae), Labcorp
Classification: Uncertain significance for Loeys-Dietz syndrome 4. Last evaluated: 2025-11-23. Review status: criteria provided, single submitter. Criteria: Invitae Variant Classification Sherloc (09022015). Collection method: clinical testing. Allele origin: germline.
Comment: This sequence change replaces cysteine, which is neutral and slightly polar, with arginine, which is basic and polar, at codon 413 of the TGFB2 protein (p.Cys413Arg). This variant is not present in population databases (gnomAD no frequency). This variant has not been reported in the literature in individuals affected with TGFB2-related conditions. ClinVar contains an entry for this variant (Variation ID: 2847620). Invitae Evidence Modeling of protein sequence and biophysical properties (such as structural, functional, and spatial information, amino acid conservation, physicochemical variation, residue mobility, and thermodynamic stability) indicates that this missense variant is expected to disrupt TGFB2 protein function with a positive predictive value of 80%. In summary, the available evidence is currently insufficient to determine the role of this variant in disease. Therefore, it has been classified as a Variant of Uncertain Significance.